The following is an entry in ClinVar:

ClinVar aggregate classification (germline): Likely pathogenic (1 of 4 stars; one submission).

Conditions:
Gaucher disease. Also called: Acute cerebral Gaucher disease; Cerebroside lipidosis syndrome; Gaucher splenomegaly; Sphingolipidosis 1; Glucocerebrosidosis; Glucosylceramidase deficiency. Identifiers: Orphanet 355, MedGen C0017205, MONDO:0018150.

Submission:

Natera, Inc.
Classification: Likely pathogenic for Gaucher disease. Last evaluated: 2024-05-07. Review status: criteria provided, single submitter. Criteria: Natera Variant Classification Schema (03/2026). Collection method: clinical testing. Allele origin: germline.
Comment: The c.1195G>C variant in GBA1 is a missense variant predicted to cause substitution of glycine to arginine at amino acid 399. This variant is rare in the general population with a frequency below the threshold expected for the associated phenotype(s). This variant has been observed in one or more individuals affected with the associated recessive disease, as either homozygous or compound heterozygous with a second variant (PMID: 30764785). Computational prediction algorithms indicate this variant is likely to affect gene or protein function. Given the available evidence, this variant is classified as Likely Pathogenic.

Literature cited by the submitters: PubMed 30764785.

NM_000157.4(GBA1):c.1195G>C (p.Gly399Arg)

Genes: GBA1 (glucosylceramidase beta 1; minus strand), LOC106627981 (GBA recombination region; plus strand). Cytogenetic location: 1q22.
Variant type: single nucleotide variant.
Coding change: c.1195G>C on transcript NM_000157.4 (MANE Select); coding-DNA position 1195, G replaced by C.
Protein change: p.Gly399Arg; replaces glycine 399 with arginine.
Molecular consequence: missense variant.
Genome position (GRCh38, 1-based): chr1:155,236,274, C>G on the plus strand (G>C on the coding strand, the complement: GBA1 is on the minus strand). VCF-style: chr1-155236274-C-G. GRCh37 (hg19) VCF-style: chr1-155206065-C-G.
Other names: c.1195G>C, p.Gly399Arg (NM_001005741.3, NM_001005742.3); c.934G>C, p.Gly312Arg (NM_001171811.2); c.1048G>C, p.Gly350Arg (NM_001171812.2); short protein forms G312R, G350R, G399R.
Identifiers: ClinVar variation 4817691 (VCV004817691.1).